The following is an entry in ClinVar:

NM_024642.5(GALNT12):c.1072T>C (p.Cys358Arg)

Gene: GALNT12 (polypeptide N-acetylgalactosaminyltransferase 12; plus strand). Cytogenetic location: 9q22.33.
Variant type: single nucleotide variant.
Coding change: c.1072T>C on transcript NM_024642.5 (MANE Select); coding-DNA position 1072, T replaced by C.
Protein change: p.Cys358Arg; replaces cysteine 358 with arginine.
Molecular consequence: missense variant.
Genome position (GRCh38, 1-based): chr9:98,837,008, T>C. VCF-style: chr9-98837008-T-C. GRCh37 (hg19) VCF-style: chr9-101599290-T-C.
Other names: short protein forms C358R.
Identifiers: ClinVar variation 1783965 (VCV001783965.2), dbSNP rs1380223372, ClinGen allele CA374219720.

ClinVar aggregate classification (germline): Uncertain significance (1 of 4 stars; one submission).

Allele frequency attached by ClinVar (database versions not stated): gnomAD exomes below 0.00001.
gnomAD v4.1: 4 of 1,614,198 alleles (0.00025%); highest among the groups gnomAD compares: Non-Finnish European, 0.00025%; no homozygotes.

Submission:

Ambry Genetics
Classification: Uncertain significance. Last evaluated: 2022-03-08. Review status: criteria provided, single submitter. Criteria: Ambry Variant Classification Scheme 2023. Collection method: clinical testing. Allele origin: germline.
Comment: The p.C358R variant (also known as c.1072T>C), located in coding exon 6 of the GALNT12 gene, results from a T to C substitution at nucleotide position 1072. The cysteine at codon 358 is replaced by arginine, an amino acid with highly dissimilar properties. This amino acid position is conserved. In addition, this alteration is predicted to be deleterious by in silico analysis. Since supporting evidence is limited at this time, the clinical significance of this alteration remains unclear.